The following is an entry in ClinVar:

ClinVar aggregate classification (germline): Uncertain significance (1 of 4 stars; one submission).

gnomAD v4.1: 1 of 1,612,364 alleles (0.000062%); highest among the groups gnomAD compares: Non-Finnish European, 0.000085%; no homozygotes.

Submission:

Labcorp Genetics (formerly Invitae), Labcorp
Classification: Uncertain significance. Last evaluated: 2023-09-27. Review status: criteria provided, single submitter. Criteria: Invitae Variant Classification Sherloc (09022015). Collection method: clinical testing. Allele origin: germline.
Comment: In summary, the available evidence is currently insufficient to determine the role of this variant in disease. Therefore, it has been classified as a Variant of Uncertain Significance. Advanced modeling of protein sequence and biophysical properties (such as structural, functional, and spatial information, amino acid conservation, physicochemical variation, residue mobility, and thermodynamic stability) performed at Invitae indicates that this missense variant is not expected to disrupt LZTR1 protein function. This variant has not been reported in the literature in individuals affected with LZTR1-related conditions. This variant is not present in population databases (gnomAD no frequency). This sequence change replaces glutamic acid, which is acidic and polar, with aspartic acid, which is acidic and polar, at codon 737 of the LZTR1 protein (p.Glu737Asp).

NM_006767.4(LZTR1):c.2211G>C (p.Glu737Asp)

Gene: LZTR1 (leucine zipper like post translational regulator 1; plus strand). Cytogenetic location: 22q11.21.
Variant type: single nucleotide variant.
Coding change: c.2211G>C on transcript NM_006767.4 (MANE Select); coding-DNA position 2211, G replaced by C.
Protein change: p.Glu737Asp; replaces glutamic acid 737 with aspartic acid.
Molecular consequence: missense variant.
Genome position (GRCh38, 1-based): chr22:20,996,104, G>C. VCF-style: chr22-20996104-G-C. GRCh37 (hg19) VCF-style: chr22-21350393-G-C.
Other names: short protein forms E737D.
Identifiers: ClinVar variation 2724960 (VCV002724960.3), dbSNP rs1601723164, ClinGen allele CA410780043.
Genomic context (GRCh38, chr22:20,996,104, plus strand): 5'-GCAGGCCTTCGAGTCCATGCTGCGCTACATCTACTACGGCGAGGTCAACATGCCGCCCGA[G>C]GACTCGCTGCATCCTCACTCCCCAGTGAACTCCCAGGTCCCCACCAAGGGGTCCTGGCAC-3'
Protein context (NP_006758.2, residues 727-747): IYYGEVNMPP[Glu737Asp]DSLYLFAAPY